The following is an entry in ClinVar:

ClinVar aggregate classification (germline): Uncertain significance. Review status: criteria provided, multiple submitters, no conflicts (2 of 4 stars). 3 submissions from 3 submitters: Uncertain significance (3). Last evaluated 2025-06-04.

Conditions:
Inborn genetic diseases. Identifiers: MedGen C0950123, MeSH D030342.
Fanconi anemia complementation group D2. Also called: FANCD2-Related Fanconi Anemia; FANCONI PANCYTOPENIA, TYPE 4; FANCONI ANEMIA, COMPLEMENTATION GROUP D. Identifiers: Orphanet 84, MedGen C3160738, MONDO:0009214, OMIM 227646.
Fanconi anemia (FA). Also called: Fanconi's anemia. Identifiers: Orphanet 84, MedGen C0015625, MeSH D005199, MONDO:0019391.

Allele frequency attached by ClinVar (database versions not stated): ESP Exome Variant Server 0.00008; gnomAD exomes 0.00001; gnomAD 0.00003; TOPMed 0.00003.
gnomAD v4.1: 11 of 1,610,690 alleles (0.00068%); highest among the groups gnomAD compares: South Asian, 0.0011%; no homozygotes.

Submissions (3):

Ambry Genetics
Classification: Uncertain significance for Inborn genetic diseases. Last evaluated: 2025-06-04. Review status: criteria provided, single submitter. Criteria: Ambry Variant Classification Scheme 2023. Collection method: clinical testing. Allele origin: germline.

Fulgent Genetics
Classification: Uncertain significance for Fanconi anemia complementation group D2. Last evaluated: 2021-10-28. Review status: criteria provided, single submitter. Criteria: ACMG Guidelines, 2015. Collection method: clinical testing. Allele origin: unknown.

Labcorp Genetics (formerly Invitae), Labcorp
Classification: Uncertain significance for Fanconi anemia. Last evaluated: 2021-08-31. Review status: criteria provided, single submitter. Criteria: Invitae Variant Classification Sherloc (09022015). Collection method: clinical testing. Allele origin: germline.
Comment: This sequence change replaces serine with asparagine at codon 1175 of the FANCD2 protein (p.Ser1175Asn). The serine residue is weakly conserved and there is a small physicochemical difference between serine and asparagine. This variant is not present in population databases (ExAC no frequency). This variant has not been reported in the literature in individuals affected with FANCD2-related conditions. Algorithms developed to predict the effect of missense changes on protein structure and function output the following: SIFT: "Tolerated"; PolyPhen-2: "Benign"; Align-GVGD: "Class C0". The asparagine amino acid residue is found in multiple mammalian species, which suggests that this missense change does not adversely affect protein function. In summary, the available evidence is currently insufficient to determine the role of this variant in disease. Therefore, it has been classified as a Variant of Uncertain Significance.

NM_001018115.3(FANCD2):c.3524G>A (p.Ser1175Asn)

Genes: FANCD2 (FA complementation group D2; plus strand), FANCD2OS (FANCD2 opposite strand; minus strand). Cytogenetic location: 3p25.3.
Variant type: single nucleotide variant.
Coding change: c.3524G>A on transcript NM_001018115.3 (MANE Select); coding-DNA position 3524, G replaced by A.
Protein change: p.Ser1175Asn; replaces serine 1175 with asparagine.
Molecular consequence: missense variant. On other transcripts: intron variant (1).
Genome position (GRCh38, 1-based): chr3:10,088,506, G>A. VCF-style: chr3-10088506-G-A. GRCh37 (hg19) VCF-style: chr3-10130190-G-A.
Other names: c.3524G>A, p.Ser1175Asn (NM_001319984.2, NM_001374254.1, NM_033084.6); c.3413G>A, p.Ser1138Asn (NM_001374253.1); c.*44-6975C>T (NM_173472.2); short protein forms S1175N, S1138N.
Identifiers: ClinVar variation 407786 (VCV000407786.11), dbSNP rs151316403, ClinGen allele CA16611152.